The following is an entry in ClinVar:

NR_033294.2(SNORD118):n.105A>C

Genes: SNORD118 (small nucleolar RNA, C/D box 118; minus strand), TMEM107 (transmembrane protein 107; minus strand). Cytogenetic location: 17p13.1.
Variant type: single nucleotide variant.
Molecular consequence: non-coding transcript variant (on NR_033294.2). On other transcripts: 3 prime UTR variant (5).
Genome position: GRCh38 VCF-style: chr17-8173484-T-G. GRCh37 (hg19) VCF-style: chr17-8076802-T-G.
Other names: c.*719A>C (NM_001351278.2, NM_001351279.2, NM_001351280.2 and 2 more transcripts).
Identifiers: ClinVar variation 4990399 (VCV004990399.1).

ClinVar aggregate classification (germline): Uncertain significance (1 of 4 stars; one submission).

Conditions:
SNORD118-related condition.

gnomAD v4.1: 56 of 764,170 alleles (0.0073%); highest among the groups gnomAD compares: South Asian, 0.012%; no homozygotes.

Submission:

PreventionGenetics, part of Exact Sciences
Classification: Uncertain significance for SNORD118-related condition. Last evaluated: 2024-12-04. Review status: criteria provided, single submitter. Criteria: ACMG Guidelines, 2015. Collection method: clinical testing. Allele origin: germline.
Comment: The SNORD118 n.105A>C is a noncoding alteration. This variant is predicted to alter splicing based on available splicing prediction programs (SpliceAI, Jaganathan et al. 2019. PubMed ID: 30661751). However, such computer prediction programs are imperfect. To our knowledge, this variant has not been reported in the literature. This variant is reported in 0.033% of alleles in individuals of European (Finnish) descent in gnomAD. At this time, the clinical significance of this variant is uncertain due to the absence of conclusive functional and genetic evidence.